The following is an entry in ClinVar:

ClinVar aggregate classification (germline): Uncertain significance (1 of 4 stars; one submission).

Conditions:
Hereditary breast ovarian cancer syndrome. Also called: Hereditary breast and ovarian cancer syndrome; Breast and ovarian cancer; Hereditary breast and/or ovarian cancer syndrome; Hereditary breast and ovarian cancer; BRCA1- and BRCA2-Associated Hereditary Breast and Ovarian Cancer; Hereditary breast and ovarian cancer syndrome (HBOC). Identifiers: Orphanet 145, MedGen C0677776, MeSH D061325, MONDO:0003582. Disease mechanism: loss of function.

Submission:

Labcorp Genetics (formerly Invitae), Labcorp
Classification: Uncertain significance for Hereditary breast ovarian cancer syndrome. Last evaluated: 2024-04-08. Review status: criteria provided, single submitter. Criteria: Invitae Variant Classification Sherloc (09022015). Collection method: clinical testing. Allele origin: germline.
Comment: This sequence change replaces alanine, which is neutral and non-polar, with leucine, which is neutral and non-polar, at codon 1481 of the BRCA1 protein (p.Ala1481Leu). Information on the frequency of this variant in the gnomAD database is not available, as this variant may be reported differently in the database. This variant has not been reported in the literature in individuals affected with BRCA1-related conditions. ClinVar contains an entry for this variant (Variation ID: 848658). Algorithms developed to predict the effect of missense changes on protein structure and function output the following: SIFT: "Not Available"; PolyPhen-2: "Benign"; Align-GVGD: "Not Available". The leucine amino acid residue is found in multiple mammalian species, which suggests that this missense change does not adversely affect protein function. In summary, the available evidence is currently insufficient to determine the role of this variant in disease. Therefore, it has been classified as a Variant of Uncertain Significance.

NM_007294.4(BRCA1):c.4441_4442delinsCT (p.Ala1481Leu)

Gene: BRCA1 (BRCA1 DNA repair associated; minus strand). Cytogenetic location: 17q21.31.
Variant type: Indel.
Coding change: c.4441_4442delinsCT on transcript NM_007294.4 (MANE Select); coding-DNA positions 4441 to 4442, GC replaced by CT.
Protein change: p.Ala1481Leu; replaces alanine 1481 with leucine.
Molecular consequence: missense variant. On other transcripts: non-coding transcript variant (1).
Genome position (GRCh38, 1-based): chr17:43,076,530-43,076,531, GC replaced by AG on the plus strand (GC replaced by CT on the coding strand, the reverse complement: BRCA1 is on the minus strand). VCF-style: chr17-43076530-GC-AG. GRCh37 (hg19) VCF-style: chr17-41228547-GC-AG.
Other names: c.628_629delGCinsCT, p.Ala210Leu (NM_001408512.1); c.4441_4442delGCinsCT, p.Ala1481Leu (NM_007294.3, NM_001407593.1, NM_001407594.1 and 9 more transcripts); c.4300_4301delinsCT, p.Ala1434Leu (NM_007297.4); c.1129_1130delGCinsCT, p.Ala377Leu (NM_007298.4, NM_007304.2, NM_001407979.1 and 12 more transcripts); c.1129_1130delinsCT, p.Ala377Leu (NM_007299.4); c.4504_4505delinsCT, p.Ala1502Leu (NM_007300.4); c.4228_4229delGCinsCT, p.Ala1410Leu (NM_001407571.1, NM_001407894.1, NM_001407895.1 and 12 more transcripts); c.4507_4508delGCinsCT, p.Ala1503Leu (NM_001407581.1, NM_001407582.1); and 71 more; short protein forms A1434L, A1502L, A1481L, A377L, A1461L, A1476L, A1479L, A251L.
Identifiers: ClinVar variation 848658 (VCV000848658.9), dbSNP rs2052726634, ClinGen allele CA916080211.